The following is an entry in ClinVar:

NM_000540.3(RYR1):c.11359+4C>T

Gene: RYR1 (ryanodine receptor 1; plus strand). Cytogenetic location: 19q13.2.
Variant type: single nucleotide variant.
Coding change: c.11359+4C>T on transcript NM_000540.3 (MANE Select); 4 bases into the intron after coding-DNA position 11359, C replaced by T.
Molecular consequence: intron variant.
Genome position (GRCh38, 1-based): chr19:38,534,823, C>T. VCF-style: chr19-38534823-C-T. GRCh37 (hg19) VCF-style: chr19-39025463-C-T.
Other names: c.11344+4C>T (NM_001042723.2).
Identifiers: ClinVar variation 3385555 (VCV003385555.1).

ClinVar aggregate classification (germline): Uncertain significance (1 of 4 stars; one submission).

Conditions:
Malignant hyperthermia, susceptibility to, 1 (MHS1). Also called: Anesthesia related hyperthermia; Malignant hyperpyrexia; Fulminating hyperpyrexia; Pharmacogenic myopathy; Malignant hyperthermia suceptibility 1; RYR1-Related Malignant Hyperthermia Susceptibility. Identifiers: Orphanet 423, MedGen C2930980, MONDO:0007783, OMIM 145600.

Submission:

All of Us Research Program, National Institutes of Health
Classification: Uncertain significance for Malignant hyperthermia, susceptibility to, 1. Last evaluated: 2024-05-30. Review status: criteria provided, single submitter. Criteria: ACMG Guidelines, 2015. Collection method: clinical testing. Allele origin: germline. Inheritance: Autosomal dominant inheritance. Observed: 1 variant allele, 1 heterozygote.
Comment: This variant causes a C to T nucleotide substitution at the +4 position of intron 79 of the RYR1 gene. To our knowledge, functional studies have not been reported for this variant. This variant has not been reported in individuals affected with RYR1-related disorders in the literature. This variant has not been identified in the general population by the Genome Aggregation Database (gnomAD). The available evidence is insufficient to determine the role of this variant in disease conclusively. Therefore, this variant is classified as a Variant of Uncertain Significance.

This study involves interpretation of variants in research participants for the purpose of population health screening. Participant phenotype was not available at the time of variant classification. Additional details can be found in publication PMID: 35346344, PMCID: PMC8962531